The following is an entry in ClinVar:

ClinVar aggregate classification (germline): Uncertain significance (1 of 4 stars; one submission).

Conditions:
Cystic fibrosis (CF). Also called: MUCOVISCIDOSIS. Identifiers: Orphanet 586, MedGen C0010674, MONDO:0009061, OMIM 219700. Disease mechanism: loss of function.

Submission:

Ambry Genetics
Classification: Uncertain significance for Cystic fibrosis. Last evaluated: 2025-08-31. Review status: criteria provided, single submitter. Criteria: Ambry Variant Classification Scheme 2023. Collection method: clinical testing. Allele origin: germline.
Comment: The p.M1354L variant (also known as c.4060A>T), located in coding exon 25 of the CFTR gene, results from an A to T substitution at nucleotide position 4060. The methionine at codon 1354 is replaced by leucine, an amino acid with highly similar properties. This amino acid position is conserved. In addition, the in silico prediction for this alteration is inconclusive. Based on the available evidence, the clinical significance of this variant remains unclear.

NM_000492.4(CFTR):c.4060A>T (p.Met1354Leu)

Gene: CFTR (CF transmembrane conductance regulator; plus strand). Cytogenetic location: 7q31.2.
Variant type: single nucleotide variant.
Coding change: c.4060A>T on transcript NM_000492.4 (MANE Select); coding-DNA position 4060, A replaced by T.
Protein change: p.Met1354Leu; replaces methionine 1354 with leucine.
Molecular consequence: missense variant.
Genome position (GRCh38, 1-based): chr7:117,664,784, A>T. VCF-style: chr7-117664784-A-T. GRCh37 (hg19) VCF-style: chr7-117304838-A-T.
Other names: short protein forms M1354L.
Identifiers: ClinVar variation 4227442 (VCV004227442.1).